The following is an entry in ClinVar:

ClinVar aggregate classification (germline): Benign. Review status: criteria provided, multiple submitters, no conflicts (2 of 4 stars). 3 submissions from 3 submitters: Benign (2). 1 of the submissions does not count toward it. Last evaluated 2020-10-28.

Conditions:
Acute myeloblastic leukemia with maturation. Also called: Acute myeloid leukemia with maturation. Identifiers: Orphanet 98834, MedGen C1879321, MONDO:0020320.

Allele frequency attached by ClinVar (database versions not stated): gnomAD 0.71965 and 0.72569; TOPMed 0.72791; 1000 Genomes Project 30x 0.79154; 1000 Genomes Project 0.79553.

Submissions (3):

H3Africa Consortium
Classification: Benign. Last evaluated: 2020-10-28. Review status: criteria provided, single submitter. Criteria: Choudhury A et al. (Nature 2020). Collection method: research. Allele origin: germline. Study: H3Africa.
Comment: While the frequency of the alternate allele in gnoMAD v2.0.2 is 0.875, its frequency in African populations is >5%. This suggests that previous classifications of this variant as pathogenic are in error.

Breakthrough Genomics
Classification: Benign. Review status: criteria provided, single submitter. Criteria: ACMG Guidelines, 2015. Collection method: not provided. Allele origin: germline. Inheritance: Unknown mechanism. Affected: yes.

Fujian Institute of Hematology, Fujian Medical University
Classification: Pathogenic for Acute myeloblastic leukemia with maturation. Review status: no assertion criteria provided. Collection method: case-control. Allele origin: germline. Affected: yes. Not counted in ClinVar's aggregate classification.
Comment: This variant contributes to development of AML-M2

Literature cited by the submitters: PubMed 29254171 (cited by Fujian Institute of Hematology, Fujian Medical University).

NC_000001.11:g.198898955G>A

Gene: MIR181A1HG (MIR181A1 host gene; minus strand). Cytogenetic location: 1q32.1.
Variant type: single nucleotide variant.
Genome position: GRCh38 VCF-style: chr1-198898955-G-A. GRCh37 (hg19) VCF-style: chr1-198868084-G-A.
Identifiers: ClinVar variation 427755 (VCV000427755.4), dbSNP rs10800597, ClinGen allele CA15085889.